The following is an entry in ClinVar:

ClinVar aggregate classification (germline): Benign/Likely benign. Review status: criteria provided, multiple submitters, no conflicts (2 of 4 stars). 4 submissions from 4 submitters: Benign (2); Likely benign (1). 1 of the submissions does not count toward it. Last evaluated 2026-02-01.

Allele frequency attached by ClinVar (database versions not stated): ESP Exome Variant Server 0.00104; gnomAD 0.00039 and 0.00042; TOPMed 0.00057; gnomAD exomes 0.00066 and 0.00072; ExAC 0.00071.

Submissions (4):

Labcorp Genetics (formerly Invitae), Labcorp
Classification: Benign. Last evaluated: 2026-02-01. Review status: criteria provided, single submitter. Criteria: Invitae Variant Classification Sherloc (09022015). Collection method: clinical testing. Allele origin: germline.

Blueprint Genetics
Classification: Likely benign. Last evaluated: 2024-10-30. Review status: criteria provided, single submitter. Criteria: ACMG Guidelines, 2015. Collection method: clinical testing. Allele origin: germline.

Breakthrough Genomics
Classification: Benign. Review status: criteria provided, single submitter. Criteria: ACMG Guidelines, 2015. Collection method: not provided. Allele origin: germline. Inheritance: X-linked inheritance. Affected: yes.

ITMI
No classification provided. Condition: AllHighlyPenetrant. Last evaluated: 2013-09-19. Review status: no classification provided. Collection method: reference population. Allele origin: germline. Not counted in ClinVar's aggregate classification.
Comment: Please see associated publication for description of ethnicities

Literature cited by the submitters: PubMed 24728327 (cited by ITMI).

NM_152424.4(AMER1):c.1873A>G (p.Thr625Ala)

Gene: AMER1 (APC membrane recruitment protein 1; minus strand). Cytogenetic location: Xq11.2.
Variant type: single nucleotide variant.
Coding change: c.1873A>G on transcript NM_152424.4 (MANE Select); coding-DNA position 1873, A replaced by G.
Protein change: p.Thr625Ala; replaces threonine 625 with alanine.
Molecular consequence: missense variant.
Genome position (GRCh38, 1-based): chrX:64,191,414, T>C on the plus strand (A>G on the coding strand, the complement: AMER1 is on the minus strand). VCF-style: chrX-64191414-T-C. GRCh37 (hg19) VCF-style: chrX-63411294-T-C.
Other names: short protein forms T625A.
Identifiers: ClinVar variation 133489 (VCV000133489.12), dbSNP rs142654101, ClinGen allele CA156680.